The following is an entry in ClinVar:

ClinVar aggregate classification (germline): Uncertain significance (1 of 4 stars; one submission).

Submission:

Women's Health and Genetics/Laboratory Corporation of America, LabCorp
Classification: Uncertain significance. Last evaluated: 2025-09-03. Review status: criteria provided, single submitter. Criteria: LabCorp Variant Classification Summary - May 2015. Collection method: clinical testing. Allele origin: germline.
Comment: Variant summary: L1CAM c.404C>T (p.Ala135Val) results in a non-conservative amino acid change in the encoded protein sequence. Algorithms developed to predict the effect of missense changes on protein structure and function are either unavailable or do not agree on the potential impact of this missense change. The variant was absent in 182021 control chromosomes. The available data on variant occurrences in the general population are insufficient to allow any conclusion about variant significance. To our knowledge, no occurrence of c.404C>T in individuals affected with L1CAM-related conditions and no experimental evidence demonstrating its impact on protein function have been reported. No submitters have cited clinical-significance assessments for this variant to ClinVar. Based on the evidence outlined above, the variant was classified as uncertain significance.

NM_001278116.2(L1CAM):c.404C>T (p.Ala135Val)

Gene: L1CAM (L1 cell adhesion molecule; minus strand). Cytogenetic location: Xq28.
Variant type: single nucleotide variant.
Coding change: c.404C>T on transcript NM_001278116.2 (MANE Select); coding-DNA position 404, C replaced by T.
Protein change: p.Ala135Val; replaces alanine 135 with valine.
Molecular consequence: missense variant.
Genome position (GRCh38, 1-based): chrX:153,871,176, G>A on the plus strand (C>T on the coding strand, the complement: L1CAM is on the minus strand). VCF-style: chrX-153871176-G-A. GRCh37 (hg19) VCF-style: chrX-153136631-G-A.
Other names: c.404C>T, p.Ala135Val (NM_000425.5, NM_024003.3); c.389C>T, p.Ala130Val (NM_001143963.2); short protein forms A130V, A135V.
Identifiers: ClinVar variation 4535846 (VCV004535846.1).